The following is an entry in ClinVar:

ClinVar aggregate classification (germline): Uncertain significance. Review status: criteria provided, multiple submitters, no conflicts (2 of 4 stars). 2 submissions from 2 submitters: Uncertain significance (2). Last evaluated 2025-08-19.

Conditions:
Cardiovascular phenotype. Identifiers: MedGen CN230736.
Alstrom syndrome (ALMS). Identifiers: Orphanet 64, MedGen C0268425, MONDO:0008763, OMIM 203800.

Allele frequency attached by ClinVar (database versions not stated): gnomAD exomes below 0.00001; TOPMed 0.00001.
gnomAD v4.1: 1 of 1,612,396 alleles (0.000062%); highest among the groups gnomAD compares: Non-Finnish European, 0.000085%; no homozygotes.

Submissions (2):

Ambry Genetics
Classification: Uncertain significance for Cardiovascular phenotype. Last evaluated: 2025-08-19. Review status: criteria provided, single submitter. Criteria: Ambry Variant Classification Scheme 2023. Collection method: clinical testing. Allele origin: germline.
Comment: The p.F1344S variant (also known as c.4031T>C), located in coding exon 8 of the ALMS1 gene, results from a T to C substitution at nucleotide position 4031. The phenylalanine at codon 1344 is replaced by serine, an amino acid with highly dissimilar properties. This amino acid position is not well conserved in available vertebrate species. In addition, this alteration is predicted to be tolerated by in silico analysis. Based on the available evidence, the clinical significance of this variant remains unclear.

Labcorp Genetics (formerly Invitae), Labcorp
Classification: Uncertain significance for Alstrom syndrome. Last evaluated: 2024-06-04. Review status: criteria provided, single submitter. Criteria: Invitae Variant Classification Sherloc (09022015). Collection method: clinical testing. Allele origin: germline.
Comment: This sequence change replaces phenylalanine, which is neutral and non-polar, with serine, which is neutral and polar, at codon 1344 of the ALMS1 protein (p.Phe1344Ser). This variant is not present in population databases (gnomAD no frequency). This variant has not been reported in the literature in individuals affected with ALMS1-related conditions. ClinVar contains an entry for this variant (Variation ID: 2155416). Experimental studies and prediction algorithms are not available or were not evaluated, and the functional significance of this variant is currently unknown. In summary, the available evidence is currently insufficient to determine the role of this variant in disease. Therefore, it has been classified as a Variant of Uncertain Significance.

NM_001378454.1(ALMS1):c.4028T>C (p.Phe1343Ser)

Gene: ALMS1 (ALMS1 centrosome and basal body associated protein; plus strand). Cytogenetic location: 2p13.1.
Variant type: single nucleotide variant.
Coding change: c.4028T>C on transcript NM_001378454.1 (MANE Select); coding-DNA position 4028, T replaced by C.
Protein change: p.Phe1343Ser; replaces phenylalanine 1343 with serine.
Molecular consequence: missense variant.
Genome position (GRCh38, 1-based): chr2:73,450,555, T>C. VCF-style: chr2-73450555-T-C. GRCh37 (hg19) VCF-style: chr2-73677682-T-C.
Other names: c.4031T>C, p.Phe1344Ser (NM_015120.4); short protein forms F1344S, F1343S.
Identifiers: ClinVar variation 2155416 (VCV002155416.4), dbSNP rs1671911288, ClinGen allele CA347277310.
Genomic context (GRCh38, chr2:73,450,555, plus strand): 5'-AGACTGTGATACCAATTTTACCCTCTACTTTCTACTCACACACAGAGAAGCCTGGTGTTT[T>C]CTACCAACAGGTCTTGCCACATAGTCATCCAACTGAAGAGGCTCTGAAAATTTCAGTTGC-3'
Protein context (NP_001365383.1, residues 1333-1353): FYSHTEKPGV[Phe1343Ser]YQQVLPHSHP